The following is an entry in ClinVar:

NM_001127453.2(GSDME):c.529GAG[1] (p.Glu178del)

Gene: GSDME (gasdermin E; minus strand). Cytogenetic location: 7p15.3.
Variant type: Microsatellite.
Coding change: c.529GAG[1] on transcript NM_001127453.2 (MANE Select); one copy of the 3-base unit GAG starting at c.529; the reference has two copies in a row; one copy, 3 bases deleted.
Protein change: p.Glu178del; deletes glutamic acid 178.
Molecular consequence: inframe deletion.
Genome position (GRCh38, 1-based): chr7:24,719,089-24,719,091, CTC deleted on the plus strand (GAG on the coding strand, the reverse complement: GSDME is on the minus strand); deleting any 3 consecutive bases within chr7:24,719,089-24,719,094 gives the same sequence; the position shown is the placement nearest the transcript's 3' end. VCF-style (leftmost placement, unchanged base first): chr7-24719088-TCTC-T. GRCh37 (hg19) VCF-style: chr7-24758707-TCTC-T.
Other names: c.37GAG[1], p.Glu14del (NM_001127454.2); c.529GAG[1], p.Glu178del (NM_004403.3); short protein forms E14del, E178del.
Identifiers: ClinVar variation 2997732 (VCV002997732.3), dbSNP rs1182638372, ClinGen allele CA573347493.

ClinVar aggregate classification (germline): Uncertain significance (1 of 4 stars; one submission).

Submission:

Labcorp Genetics (formerly Invitae), Labcorp
Classification: Uncertain significance. Last evaluated: 2023-10-30. Review status: criteria provided, single submitter. Criteria: Invitae Variant Classification Sherloc (09022015). Collection method: clinical testing. Allele origin: germline.
Comment: This variant, c.532_534del, results in the deletion of 1 amino acid(s) of the DFNA5 protein (p.Glu178del), but otherwise preserves the integrity of the reading frame. This variant is present in population databases (no rsID available, gnomAD 0.003%). This variant has not been reported in the literature in individuals affected with DFNA5-related conditions. Experimental studies and prediction algorithms are not available or were not evaluated, and the functional significance of this variant is currently unknown. In summary, the available evidence is currently insufficient to determine the role of this variant in disease. Therefore, it has been classified as a Variant of Uncertain Significance.